The following is an entry in ClinVar:

ClinVar aggregate classification (germline): Likely benign. Review status: criteria provided, multiple submitters, no conflicts (2 of 4 stars). 2 submissions from 2 submitters: Likely benign (2). Last evaluated 2024-03-09.

Allele frequency attached by ClinVar (database versions not stated): gnomAD exomes below 0.00001.
gnomAD v4.1: 4 of 1,614,208 alleles (0.00025%); highest among the groups gnomAD compares: South Asian, 0.0044%; no homozygotes.

Submissions (2):

Labcorp Genetics (formerly Invitae), Labcorp
Classification: Likely benign. Last evaluated: 2024-03-09. Review status: criteria provided, single submitter. Criteria: Invitae Variant Classification Sherloc (09022015). Collection method: clinical testing. Allele origin: germline.

GeneDx
Classification: Likely benign. Last evaluated: 2016-06-30. Review status: criteria provided, single submitter. Criteria: GeneDx Variant Classification (06012015). Collection method: clinical testing. Allele origin: germline. Affected: yes.
Comment: This variant is considered likely benign or benign based on one or more of the following criteria: it is a conservative change, it occurs at a poorly conserved position in the protein, it is predicted to be benign by multiple in silico algorithms, and/or has population frequency not consistent with disease.

NM_003383.5(VLDLR):c.1788A>G (p.Thr596=)

Gene: VLDLR (very low density lipoprotein receptor; plus strand). Cytogenetic location: 9p24.2.
Variant type: single nucleotide variant.
Coding change: c.1788A>G on transcript NM_003383.5 (MANE Select); coding-DNA position 1788, A replaced by G.
Protein change: p.Thr596=; no amino-acid change (threonine 596 retained).
Molecular consequence: synonymous variant.
Genome position (GRCh38, 1-based): chr9:2,647,558, A>G. VCF-style: chr9-2647558-A-G. GRCh37 (hg19) VCF-style: chr9-2647558-A-G.
Other names: c.1788A>G, p.Thr596= (NM_001018056.3); c.1665A>G, p.Thr555= (NM_001322225.2, NM_001322226.2).
Identifiers: ClinVar variation 387209 (VCV000387209.4), dbSNP rs1057522727, ClinGen allele CA16606505.